The following is an entry in ClinVar:

NM_015443.4(KANSL1):c.680G>A (p.Ser227Asn)

Gene: KANSL1 (KAT8 regulatory NSL complex subunit 1). Cytogenetic location: 17q21.31.
Variant type: single nucleotide variant.
Coding change: c.680G>A on transcript NM_015443.4 (MANE Select); coding-DNA position 680, G replaced by A.
Protein change: p.Ser227Asn; replaces serine 227 with asparagine.
Molecular consequence: missense variant.
Genome position (GRCh38, 1-based): chr17:46,171,464, C>T on the plus strand (G>A on the coding strand, the complement: KANSL1 is on the minus strand). VCF-style: chr17-46171464-C-T. GRCh37 (hg19) VCF-style: chr17-44248830-C-T.
Other names: p.S227N:AGC>AAC; c.680G>A, p.Ser227Asn (NM_001193465.2, NM_001193466.2, NM_001379198.1); short protein forms S227N.
Identifiers: ClinVar variation 205773 (VCV000205773.41), dbSNP rs150345690, ClinGen allele CA315172.

ClinVar aggregate classification (germline): Benign/Likely benign. Review status: criteria provided, multiple submitters, no conflicts (2 of 4 stars). 8 submissions from 8 submitters: Benign (2); Likely benign (6). Last evaluated 2025-05-12.

Conditions:
Inborn genetic diseases. Identifiers: MedGen C0950123, MeSH D030342.
Koolen-de Vries syndrome (KDVS). Identifiers: Orphanet 96169, MedGen C1864871, MONDO:0012496, OMIM 610443.

Allele frequency attached by ClinVar (database versions not stated): 1000 Genomes Project 30x 0.00016; 1000 Genomes Project 0.00020; ESP Exome Variant Server 0.00069.
gnomAD v4.1: 1,245 of 1,613,838 alleles (0.077%); highest among the groups gnomAD compares: Admixed American, 0.12%; no homozygotes.

Submissions (8):

Labcorp Genetics (formerly Invitae), Labcorp
Classification: Likely benign for Koolen-de Vries syndrome. Last evaluated: 2025-05-12. Review status: criteria provided, single submitter. Criteria: Invitae Variant Classification Sherloc (09022015). Collection method: clinical testing. Allele origin: germline.

CeGaT Center for Human Genetics Tuebingen
Classification: Likely benign. Last evaluated: 2025-05-01. Review status: criteria provided, single submitter. Criteria: CeGaT Center For Human Genetics Tuebingen Variant Classification Criteria Version 2. Collection method: clinical testing. Allele origin: germline. Affected: yes. Observed: 4 variant alleles.
Comment: KANSL1: BP4, BS1

Blueprint Genetics
Classification: Likely benign. Last evaluated: 2024-11-26. Review status: criteria provided, single submitter. Criteria: ACMG Guidelines, 2015. Collection method: clinical testing. Allele origin: germline.

Fulgent Genetics
Classification: Likely benign for Koolen-de Vries syndrome. Last evaluated: 2021-10-23. Review status: criteria provided, single submitter. Criteria: ACMG Guidelines, 2015. Collection method: clinical testing. Allele origin: unknown.

Ambry Genetics
Classification: Likely benign for Inborn genetic diseases. Last evaluated: 2021-09-16. Review status: criteria provided, single submitter. Criteria: Ambry Variant Classification Scheme 2023. Collection method: clinical testing. Allele origin: germline.

GeneDx
Classification: Benign. Last evaluated: 2019-02-28. Review status: criteria provided, single submitter. Criteria: GeneDx Variant Classification Process June 2021. Collection method: clinical testing. Allele origin: germline. Affected: yes.

Athena Diagnostics
Classification: Benign. Last evaluated: 2018-05-15. Review status: criteria provided, single submitter. Criteria: Athena Diagnostics Criteria. Collection method: clinical testing. Allele origin: germline.

Breakthrough Genomics
Classification: Likely benign. Review status: criteria provided, single submitter. Criteria: ACMG Guidelines, 2015. Collection method: not provided. Allele origin: germline. Inheritance: Autosomal dominant inheritance. Affected: yes.